The following is an entry in ClinVar:

NM_001844.5(COL2A1):c.2282C>T (p.Ala761Val)

Gene: COL2A1 (collagen type II alpha 1 chain; minus strand). Cytogenetic location: 12q13.11.
Variant type: single nucleotide variant.
Coding change: c.2282C>T on transcript NM_001844.5 (MANE Select); coding-DNA position 2282, C replaced by T.
Protein change: p.Ala761Val; replaces alanine 761 with valine.
Molecular consequence: missense variant.
Genome position (GRCh38, 1-based): chr12:47,982,521, G>A on the plus strand (C>T on the coding strand, the complement: COL2A1 is on the minus strand). VCF-style: chr12-47982521-G-A. GRCh37 (hg19) VCF-style: chr12-48376304-G-A.
Other names: c.2075C>T, p.Ala692Val (NM_033150.3); short protein forms A761V, A692V.
Identifiers: ClinVar variation 2293150 (VCV002293150.5), dbSNP rs1243950495, ClinGen allele CA384545954.

ClinVar aggregate classification (germline): Uncertain significance. Review status: criteria provided, multiple submitters, no conflicts (2 of 4 stars). 2 submissions from 2 submitters: Uncertain significance (2). Last evaluated 2026-05-19.

Conditions:
Inborn genetic diseases. Identifiers: MedGen C0950123, MeSH D030342.

Allele frequency attached by ClinVar (database versions not stated): gnomAD 0.00001; gnomAD exomes below 0.00001; TOPMed below 0.00001.
gnomAD v4.1: 3 of 1,613,702 alleles (0.00019%); highest among the groups gnomAD compares: African/African-American, 0.004%; no homozygotes.

Submissions (2):

Ambry Genetics
Classification: Uncertain significance for Inborn genetic diseases. Last evaluated: 2026-05-19. Review status: criteria provided, single submitter. Criteria: Ambry Variant Classification Scheme 2023. Collection method: clinical testing. Allele origin: germline.

Labcorp Genetics (formerly Invitae), Labcorp
Classification: Uncertain significance. Last evaluated: 2024-11-03. Review status: criteria provided, single submitter. Criteria: Invitae Variant Classification Sherloc (09022015). Collection method: clinical testing. Allele origin: germline.
Comment: This sequence change replaces alanine, which is neutral and non-polar, with valine, which is neutral and non-polar, at codon 761 of the COL2A1 protein (p.Ala761Val). This variant is present in population databases (no rsID available, gnomAD 0.01%). This variant has not been reported in the literature in individuals affected with COL2A1-related conditions. ClinVar contains an entry for this variant (Variation ID: 2293150). Invitae Evidence Modeling of protein sequence and biophysical properties (such as structural, functional, and spatial information, amino acid conservation, physicochemical variation, residue mobility, and thermodynamic stability) indicates that this missense variant is not expected to disrupt COL2A1 protein function with a negative predictive value of 95%. In summary, the available evidence is currently insufficient to determine the role of this variant in disease. Therefore, it has been classified as a Variant of Uncertain Significance.